The following is an entry in ClinVar:

ClinVar aggregate classification (germline): Pathogenic. Review status: criteria provided, single submitter (1 of 4 stars). 2 submissions from 2 submitters: Pathogenic (1). 1 of the submissions does not count toward it. Last evaluated 2022-07-11.

Conditions:
Tuberous sclerosis syndrome (TSC). Also called: Tuberous Sclerosis Complex; Tuberous sclerosis. Identifiers: Orphanet 805, MedGen C0041341, MONDO:0001734.
Tuberous sclerosis 1 (TSC1). Identifiers: Orphanet 805, MedGen C1854465, MONDO:0008612, OMIM 191100.

Submissions (2):

Labcorp Genetics (formerly Invitae), Labcorp
Classification: Pathogenic for Tuberous sclerosis 1. Last evaluated: 2022-07-11. Review status: criteria provided, single submitter. Criteria: Invitae Variant Classification Sherloc (09022015). Collection method: clinical testing. Allele origin: germline.
Comment: This sequence change creates a premature translational stop signal (p.Ser201Leufs*17) in the TSC1 gene. It is expected to result in an absent or disrupted protein product. Loss-of-function variants in TSC1 are known to be pathogenic (PMID: 10227394, 17304050). This variant is not present in population databases (gnomAD no frequency). This variant has not been reported in the literature in individuals affected with TSC1-related conditions. ClinVar contains an entry for this variant (Variation ID: 49068). For these reasons, this variant has been classified as Pathogenic.

Tuberous sclerosis database (TSC1)
No classification provided. Condition: TSC. Review status: no classification provided. Criteria: Tuberous Sclerosis Database Assertion Criteria 2015. Collection method: curation. Allele origin: germline. Affected: yes. Not counted in ClinVar's aggregate classification.

Literature cited by the submitters: PubMed 10227394 (cited by Labcorp Genetics (formerly Invitae), Labcorp); PubMed 17304050 (cited by Labcorp Genetics (formerly Invitae), Labcorp).

NM_000368.5(TSC1):c.599dup (p.Ser201fs)

Gene: TSC1 (TSC complex subunit 1; minus strand). Cytogenetic location: 9q34.13.
Variant type: Duplication.
Coding change: c.599dup on transcript NM_000368.5 (MANE Select); coding-DNA position 599, one base duplicated (T; older notation c.599dupT).
Protein change: p.Ser201fs; shifts the reading frame from serine 201.
Molecular consequence: frameshift variant.
Genome position (GRCh38, 1-based): chr9:132,921,883, A duplicated on the plus strand (T on the coding strand, the reverse complement: TSC1 is on the minus strand). VCF-style (leftmost placement, unchanged base first): chr9-132921882-G-GA. GRCh37 (hg19) VCF-style: chr9-135797269-G-GA.
Other names: c.599dupT (NM_000368.4); c.599dup, p.Ser201fs (NM_001162426.2); c.446dup, p.Ser150fs (NM_001162427.2); c.236dup, p.Ser80fs (NM_001362177.2); short protein forms S201fs, S150fs, S80fs.
Identifiers: ClinVar variation 49068 (VCV000049068.6), dbSNP rs118203411, ClinGen allele CA262380.